The following is an entry in ClinVar:

NM_000557.5(GDF5):c.1471G>A (p.Glu491Lys)

Genes: GDF5 (growth differentiation factor 5; minus strand), GDF5-AS1 (GDF5 antisense RNA 1; plus strand). Cytogenetic location: 20q11.22.
Variant type: single nucleotide variant.
Coding change: c.1471G>A on transcript NM_000557.5 (MANE Select); coding-DNA position 1471, G replaced by A.
Protein change: p.Glu491Lys; replaces glutamic acid 491 with lysine.
Molecular consequence: missense variant. On other transcripts: non-coding transcript variant (1).
Genome position (GRCh38, 1-based): chr20:35,433,944, C>T on the plus strand (G>A on the coding strand, the complement: GDF5 is on the minus strand). VCF-style: chr20-35433944-C-T. GRCh37 (hg19) VCF-style: chr20-34021742-C-T.
Other names: c.1471G>A, p.Glu491Lys (NM_001319138.2); short protein forms E491K.
Identifiers: ClinVar variation 8389 (VCV000008389.4), dbSNP rs74315389, ClinGen allele CA119573.
Genomic context (GRCh38, chr20:35,433,944, plus strand): 5'-CCAGGAAGACAGAGGGCCAGTGCTGCTACCTGCAGCCACACGACTCCACGACCATGTCCT[C>T]ATACTGCTTATACACCACGTTGTTGGCAGAGTCAATGAAGAGGATGCTGATGGGACTCAG-3'
Protein context (NP_000548.2, residues 481-501): SANNVVYKQY[Glu491Lys]DMVVESCGCR

ClinVar aggregate classification (germline): Pathogenic. Review status: criteria provided, multiple submitters, no conflicts (2 of 4 stars). 3 submissions from 3 submitters: Pathogenic (2). 1 of the submissions does not count toward it. Last evaluated 2025-12-10.

Conditions:
Symphalangism, proximal, 1B (SYM1B). Identifiers: Orphanet 3250, MedGen C3809104, MONDO:0014125, OMIM 615298.
GDF5-related disorder. Also called: GDF5-related condition; GDF5 (CDMP1)-related disorder. Identifiers: MedGen CN169990.

Allele frequency attached by ClinVar (database versions not stated): gnomAD exomes below 0.00001 and 0.00001; ExAC 0.00001; gnomAD 0.00001.
gnomAD v4.1: 4 of 1,613,990 alleles (0.00025%); highest among the groups gnomAD compares: East Asian, 0.0022%; no homozygotes.

Submissions (3):

Women's Health and Genetics/Laboratory Corporation of America, LabCorp
Classification: Pathogenic for GDF5-related disorder. Last evaluated: 2025-12-10. Review status: criteria provided, single submitter. Criteria: LabCorp Variant Classification Summary - May 2015. Collection method: clinical testing. Allele origin: germline.
Comment: Variant summary: GDF5 c.1471G>A (p.Glu491Lys) results in a conservative amino acid change in the encoded protein sequence. Algorithms developed to predict the effect of missense changes on protein structure and function are either unavailable or do not agree on the potential impact of this missense change. The variant allele was found at a frequency of 8e-06 in 251440 control chromosomes. c.1471G>A has been observed in multiple individuals affected with autosomal dominant Symphalangism and this variant co-segregated with the disease (Wang_2006). These data indicate that the variant is very likely to be associated with disease. To our knowledge, no experimental evidence demonstrating an impact on protein function has been reported. The following publication have been ascertained in the context of this evaluation (PMID: 16892395). ClinVar contains an entry for this variant (Variation ID: 8389). To our knowledge, this variant has not been reported in individuals with Grebe Syndrome. Based on the evidence outlined above, the variant was classified as pathogenic for GDF5-Related Disorder Symphalangism.

Labcorp Genetics (formerly Invitae), Labcorp
Classification: Pathogenic. Last evaluated: 2024-12-03. Review status: criteria provided, single submitter. Criteria: Invitae Variant Classification Sherloc (09022015). Collection method: clinical testing. Allele origin: germline.
Comment: This sequence change replaces glutamic acid, which is acidic and polar, with lysine, which is basic and polar, at codon 491 of the GDF5 protein (p.Glu491Lys). This variant is present in population databases (rs74315389, gnomAD 0.006%). This missense change has been observed in individual(s) with autosomal dominant symphalangism (PMID: 16892395). It has also been observed to segregate with disease in related individuals. ClinVar contains an entry for this variant (Variation ID: 8389). Invitae Evidence Modeling of protein sequence and biophysical properties (such as structural, functional, and spatial information, amino acid conservation, physicochemical variation, residue mobility, and thermodynamic stability) indicates that this missense variant is not expected to disrupt GDF5 protein function with a negative predictive value of 80%. For these reasons, this variant has been classified as Pathogenic.

OMIM
Classification: Pathogenic for SYMPHALANGISM, PROXIMAL, 1B. Last evaluated: 2006-09-01. Review status: no assertion criteria provided. Collection method: literature only. Allele origin: germline. Not counted in ClinVar's aggregate classification.

Literature cited by the submitters: PubMed 16892395 (cited by 3 submitters).